The following is an entry in ClinVar:

NM_012452.3(TNFRSF13B):c.523C>T (p.Leu175Phe)

Gene: TNFRSF13B (TNF receptor superfamily member 13B; minus strand). Cytogenetic location: 17p11.2.
Variant type: single nucleotide variant.
Coding change: c.523C>T on transcript NM_012452.3 (MANE Select); coding-DNA position 523, C replaced by T.
Protein change: p.Leu175Phe; replaces leucine 175 with phenylalanine.
Molecular consequence: missense variant.
Genome position (GRCh38, 1-based): chr17:16,940,434, G>A on the plus strand (C>T on the coding strand, the complement: TNFRSF13B is on the minus strand). VCF-style: chr17-16940434-G-A. GRCh37 (hg19) VCF-style: chr17-16843748-G-A.
Other names: short protein forms L175F.
Identifiers: ClinVar variation 3708808 (VCV003708808.2).

ClinVar aggregate classification (germline): Uncertain significance (1 of 4 stars; one submission).

Conditions:
Immunodeficiency, common variable, 2 (CVID2). Also called: ANTIBODY DEFICIENCY DUE TO TACI DEFECT; HYPOGAMMAGLOBULINEMIA DUE TO TACI DEFICIENCY. Identifiers: Orphanet 1572, MedGen C3150354, MONDO:0009413, OMIM 240500.

gnomAD v4.1: 3 of 1,614,042 alleles (0.00019%); highest among the groups gnomAD compares: Middle Eastern, 0.017%; no homozygotes.

Submission:

Labcorp Genetics (formerly Invitae), Labcorp
Classification: Uncertain significance for Immunodeficiency, common variable, 2. Last evaluated: 2025-05-19. Review status: criteria provided, single submitter. Criteria: Invitae Variant Classification Sherloc (09022015). Collection method: clinical testing. Allele origin: germline.
Comment: This sequence change replaces leucine, which is neutral and non-polar, with phenylalanine, which is neutral and non-polar, at codon 175 of the TNFRSF13B protein (p.Leu175Phe). This variant is not present in population databases (gnomAD no frequency). This variant has not been reported in the literature in individuals affected with TNFRSF13B-related conditions. ClinVar contains an entry for this variant (Variation ID: 3708808). Invitae Evidence Modeling of protein sequence and biophysical properties (such as structural, functional, and spatial information, amino acid conservation, physicochemical variation, residue mobility, and thermodynamic stability) indicates that this missense variant is not expected to disrupt TNFRSF13B protein function with a negative predictive value of 95%. In summary, the available evidence is currently insufficient to determine the role of this variant in disease. Therefore, it has been classified as a Variant of Uncertain Significance.